The following is an entry in ClinVar:

NM_014845.6(FIG4):c.1239_1241inv (p.Tyr413_Ile414delinsTer)

Gene: FIG4 (FIG4 phosphoinositide 5-phosphatase; plus strand). Cytogenetic location: 6q21.
Variant type: Inversion.
Coding change: c.1239_1241inv on transcript NM_014845.6 (MANE Select).
Protein change: p.Tyr413_Ile414delinsTer.
Molecular consequence: nonsense.
Genome position: GRCh38 VCF-style: chr6-109760351-TAT-ATA. GRCh37 (hg19) VCF-style: chr6-110081554-TAT-ATA.
Other names: c.1239_1241delTATinsATA (NM_014845.5).
Identifiers: ClinVar variation 523914 (VCV000523914.6), ClinGen allele CA658796800.
Genomic context (GRCh38, chr6:109,760,351, plus strand): 5'-ACTTGTTGCTGCTGTGACCTATCTCAACCAATTTTTGCCTCCTGAGCACACTATTGTTTA[TAT>ATA]TCCCTGGGACATGGCCAAGTATACCAAAAGGTGAATGATACTCATCTGTCTGGCTATGAT-3'

ClinVar aggregate classification (germline): Pathogenic/Likely pathogenic. Review status: criteria provided, multiple submitters, no conflicts (2 of 4 stars). 4 submissions from 4 submitters: Pathogenic (1); Likely pathogenic (1). 2 of the submissions do not count toward it. Last evaluated 2021-02-27.

Conditions:
Charcot-Marie-Tooth disease. Also called: Charcot-Marie-Tooth Hereditary Neuropathy; Charcot-Marie-Tooth Neuropathy. Identifiers: Orphanet 166, MedGen C0007959, MONDO:0015626.
Yunis-Varon syndrome (YVS). Also called: Cleidocranial dysplasia, micrognathia, absent thumbs, & distal aphalangia. Identifiers: Orphanet 3472, MedGen C1857663, MONDO:0008995, OMIM 216340.
Inborn genetic diseases. Identifiers: MedGen C0950123, MeSH D030342.

Submissions (4):

Ambry Genetics
Classification: Pathogenic for Inborn genetic diseases. Last evaluated: 2021-02-27. Review status: criteria provided, single submitter. Criteria: Ambry Variant Classification Scheme 2023. Collection method: clinical testing. Allele origin: germline.
Comment: The c.1239_1241inv variant (also known as c.1239_1241delTATinsATA and p.Y413*), located in coding exon 11 of the FIG4 gene, results from an inversion of 3 nucleotides at positions c.1239 to c.1241. This results in the substitution of the tyrosine residue for a stop codon at position 413. This variant was reported among a cohort of patients undergoing genetic testing for hereditary neuropathy; however, limited data was provided (DiVincenzo C et al, Mol Genet Genomic Med. 2014 Nov;2(6):522-9). In addition to the clinical data presented in the literature, this alteration is expected to result in loss of function by premature protein truncation or nonsense-mediated mRNA decay. As such, this alteration is interpreted as a disease-causing mutation.

GeneDx
Classification: Likely pathogenic. Last evaluated: 2018-04-09. Review status: criteria provided, single submitter. Criteria: GeneDx Variant Classification (06012015). Collection method: clinical testing. Allele origin: germline. Affected: yes.
Comment: A variant that is likely pathogenic has been identified in the FIG4 gene. The c.1239_1241delTATinsATA variant has not been published as a pathogenic variant, nor has it been reported as a benign variant to our knowledge. The c.1239_1241delTATinsATA variant results in a deletion of three bases and an insertion of three bases, changing the amino acid Tyrosine to a Stop codon residue, denoted p.Tyr413X. This variant is predicted to cause loss of normal protein function either through protein truncation or nonsense-mediated mRNA decay. Additionally, this variant is not observed in large population cohorts (Lek et al., 2016). Furthermore, other nonsense variants downstream of this position have been reported in the Human Gene Mutation Database in association with FIG4-related disorders (Stenson et al., 2014). Therefore, this variant is likely pathogenic; however, the possibility that it is benign cannot be excluded.

Inherited Neuropathy Consortium Ii, University Of Miami
Classification: Uncertain significance for Yunis-Varon syndrome. Last evaluated: 2016-01-06. Review status: no assertion criteria provided. Collection method: literature only. Allele origin: germline. Affected: yes. Not counted in ClinVar's aggregate classification.

Inherited Neuropathy Consortium
Classification: Uncertain significance for Charcot-Marie-Tooth disease. Review status: no assertion criteria provided. Collection method: literature only. Allele origin: germline. Affected: yes. Not counted in ClinVar's aggregate classification.

Literature cited by the submitters: PubMed 25614874 (cited by 3 submitters).